The following is an entry in ClinVar:

ClinVar aggregate classification (germline): Likely benign. Review status: criteria provided, multiple submitters, no conflicts (2 of 4 stars). 2 submissions from 2 submitters: Likely benign (2). Last evaluated 2025-12-31.

Conditions:
Landau-Kleffner syndrome (FESD). Also called: APHASIA, ACQUIRED, WITH EPILEPSY; EPILEPSY, FOCAL, WITH SPEECH DISORDER AND WITH OR WITHOUT MENTAL RETARDATION. Identifiers: Orphanet 1945, Orphanet 725, Orphanet 98818, MedGen C0282512, MONDO:0009509, OMIM 245570.

gnomAD v4.1: 7 of 1,610,438 alleles (0.00043%); highest among the groups gnomAD compares: Admixed American, 0.0083%; no homozygotes.

Submissions (2):

Labcorp Genetics (formerly Invitae), Labcorp
Classification: Likely benign for Landau-Kleffner syndrome. Last evaluated: 2025-12-31. Review status: criteria provided, single submitter. Criteria: Invitae Variant Classification Sherloc (09022015). Collection method: clinical testing. Allele origin: germline.

GeneDx
Classification: Likely benign. Last evaluated: 2018-04-19. Review status: criteria provided, single submitter. Criteria: GeneDx Variant Classification (06012015). Collection method: clinical testing. Allele origin: germline. Affected: yes.
Comment: This variant is considered likely benign or benign based on one or more of the following criteria: it is a conservative change, it occurs at a poorly conserved position in the protein, it is predicted to be benign by multiple in silico algorithms, and/or has population frequency not consistent with disease.

NM_001134407.3(GRIN2A):c.2356+13G>A

Gene: GRIN2A (glutamate ionotropic receptor NMDA type subunit 2A; minus strand). Cytogenetic location: 16p13.2.
Variant type: single nucleotide variant.
Coding change: c.2356+13G>A on transcript NM_001134407.3 (MANE Select); 13 bases into the intron after coding-DNA position 2356, G replaced by A.
Molecular consequence: intron variant.
Genome position (GRCh38, 1-based): chr16:9,798,264, C>T on the plus strand (G>A on the coding strand, the complement: GRIN2A is on the minus strand). VCF-style: chr16-9798264-C-T. GRCh37 (hg19) VCF-style: chr16-9892121-C-T.
Other names: c.2356+13G>A (NM_001134408.2, NM_000833.5).
Identifiers: ClinVar variation 682185 (VCV000682185.6), dbSNP rs1006336368, ClinGen allele CA620947816.